The following is an entry in ClinVar:

ClinVar aggregate classification (germline): Uncertain significance (1 of 4 stars; one submission).

Allele frequency attached by ClinVar (database versions not stated): TOPMed 0.00001.
gnomAD v4.1: 8 of 1,613,606 alleles (0.0005%); highest among the groups gnomAD compares: Non-Finnish European, 0.00068%; no homozygotes.

Submission:

Labcorp Genetics (formerly Invitae), Labcorp
Classification: Uncertain significance. Last evaluated: 2021-03-20. Review status: criteria provided, single submitter. Criteria: Invitae Variant Classification Sherloc (09022015). Collection method: clinical testing. Allele origin: germline.
Comment: In summary, the available evidence is currently insufficient to determine the role of this variant in disease. Therefore, it has been classified as a Variant of Uncertain Significance. Algorithms developed to predict the effect of sequence changes on RNA splicing suggest that this variant may create or strengthen a splice site, but this prediction has not been confirmed by published transcriptional studies. Algorithms developed to predict the effect of missense changes on protein structure and function are either unavailable or do not agree on the potential impact of this missense change (SIFT: "Tolerated"; PolyPhen-2: "Possibly Damaging"; Align-GVGD: "Class C0"). This variant has not been reported in the literature in individuals with PSMB4-related conditions. This variant is not present in population databases (ExAC no frequency). This sequence change replaces alanine with glycine at codon 191 of the PSMB4 protein (p.Ala191Gly). The alanine residue is highly conserved and there is a small physicochemical difference between alanine and glycine.

NM_002796.3(PSMB4):c.572C>G (p.Ala191Gly)

Gene: PSMB4 (proteasome 20S subunit beta 4; plus strand). Cytogenetic location: 1q21.3.
Variant type: single nucleotide variant.
Coding change: c.572C>G on transcript NM_002796.3 (MANE Select); coding-DNA position 572, C replaced by G.
Protein change: p.Ala191Gly; replaces alanine 191 with glycine.
Molecular consequence: missense variant.
Genome position (GRCh38, 1-based): chr1:151,400,841, C>G. VCF-style: chr1-151400841-C-G. GRCh37 (hg19) VCF-style: chr1-151373317-C-G.
Other names: short protein forms A191G.
Identifiers: ClinVar variation 1379893 (VCV001379893.8), dbSNP rs770110723, ClinGen allele CA341925832.